The following is an entry in ClinVar:

NM_001277115.2(DNAH11):c.4725+5G>A

Gene: DNAH11 (dynein axonemal heavy chain 11; plus strand). Cytogenetic location: 7p15.3.
Variant type: single nucleotide variant.
Coding change: c.4725+5G>A on transcript NM_001277115.2 (MANE Select); 5 bases into the intron after coding-DNA position 4725, G replaced by A.
Molecular consequence: intron variant.
Genome position (GRCh38, 1-based): chr7:21,636,100, G>A. VCF-style: chr7-21636100-G-A. GRCh37 (hg19) VCF-style: chr7-21675718-G-A.
Identifiers: ClinVar variation 1742679 (VCV001742679.2), dbSNP rs2534772673, ClinGen allele CA1099209040.

ClinVar aggregate classification (germline): Uncertain significance (1 of 4 stars; one submission).

Conditions:
Primary ciliary dyskinesia. Also called: Ciliary dyskinesia. Identifiers: Orphanet 244, MedGen C0008780, MONDO:0016575, HP:0012265.

Submission:

Ambry Genetics
Classification: Uncertain significance for Primary ciliary dyskinesia. Last evaluated: 2019-07-19. Review status: criteria provided, single submitter. Criteria: Ambry Variant Classification Scheme 2023. Collection method: clinical testing. Allele origin: germline.
Comment: The c.4725+5G>A intronic variant results from a G to A substitution 5 nucleotides after coding exon 26 in the DNAH11 gene. This nucleotide position is not well conserved in available vertebrate species. Using the BDGP and ESEfinder splice site prediction tools, this alteration is predicted to abolish the native splice donor site; however, direct evidence is unavailable. Since supporting evidence is limited at this time, the clinical significance of this alteration remains unclear.